The following is an entry in ClinVar:

ClinVar aggregate classification (germline): Likely pathogenic (1 of 4 stars; one submission).

Conditions:
Glycogen storage disease type III (GSD3). Also called: FORBES DISEASE; Cori disease. Identifiers: Orphanet 366, MedGen C0017922, MONDO:0009291, OMIM 232400.

Submission:

Natera, Inc.
Classification: Likely pathogenic for Glycogen storage disease type III. Last evaluated: 2024-02-21. Review status: criteria provided, single submitter. Criteria: Natera Variant Classification Schema (03/2026). Collection method: clinical testing. Allele origin: germline.
Comment: The c.1899+1G>A variant in AGL is a canonical splice donor site variant predicted to affect pre-mRNA splicing, which may result in an abnormal transcript and altered protein product. This variant is expected to result in nonsense mediated decay, truncation, or a dysfunctional protein product. This variant is rare in the general population with a frequency below the threshold expected for the associated phenotype(s). Given the available evidence, this variant is classified as Likely Pathogenic.

NM_000642.3(AGL):c.1899+1G>A

Gene: AGL (amylo-alpha-1,6-glucosidase and 4-alpha-glucanotransferase; plus strand). Cytogenetic location: 1p21.2.
Variant type: single nucleotide variant.
Coding change: c.1899+1G>A on transcript NM_000642.3 (MANE Select); the canonical splice donor site of the intron after coding-DNA position 1899, G replaced by A.
Molecular consequence: splice donor variant.
Genome position (GRCh38, 1-based): chr1:99,880,796, G>A. VCF-style: chr1-99880796-G-A. GRCh37 (hg19) VCF-style: chr1-100346352-G-A.
Other names: c.1899+1G>A (NM_000643.3, NM_000644.3, NM_001425326.1 and 2 more transcripts); c.1851+1G>A (NM_000646.3); c.1698+1G>A (NM_001425327.1); c.1695+1G>A (NM_001425328.1, NM_001425329.1); c.1521+1G>A (NM_001425332.1).
Identifiers: ClinVar variation 4814435 (VCV004814435.1).
Genomic context (GRCh38, chr1:99,880,796, plus strand): 5'-CCAGCTATTGCACATGCCCTGTTTATGGATATTACGCATGATAATGAGTGTCCTATTGTG[G>A]TAAGCACCTAATCTTTTTCATGTACTTATTTTGCTAAATGCTTTGATATTTAACTCTCTG-3'